The following is an entry in ClinVar:

ClinVar aggregate classification (germline): Benign. Review status: criteria provided, multiple submitters, no conflicts (2 of 4 stars). 9 submissions from 9 submitters: Benign (8). 1 of the submissions does not count toward it. Last evaluated 2026-01-27.

Conditions:
Bethlem myopathy 1A. Also called: MYOPATHY, BENIGN CONGENITAL, WITH CONTRACTURES; Bethlem myopathy 1; Bethlem Muscular Dystrophy. Identifiers: Orphanet 610, MedGen CN029274, MONDO:0024530, OMIM 158810.
Collagen 6-related myopathy. Identifiers: MedGen CN117976, MONDO:0100225.

Allele frequency attached by ClinVar (database versions not stated): ExAC 0.00764; TOPMed 0.02779; gnomAD exomes 0.00629 and 0.00231; 1000 Genomes Project 0.02376; gnomAD 0.02498 and 0.02734; 1000 Genomes Project 30x 0.02514; ESP Exome Variant Server 0.02706.
gnomAD v4.1: 7,287 of 1,614,136 alleles (0.45%); highest among the groups gnomAD compares: African/African-American, 8.6%; 291 homozygotes.

Submissions (9):

Labcorp Genetics (formerly Invitae), Labcorp
Classification: Benign for Bethlem myopathy 1A. Last evaluated: 2026-01-27. Review status: criteria provided, single submitter. Criteria: Invitae Variant Classification Sherloc (09022015). Collection method: clinical testing. Allele origin: germline.

Illumina Laboratory Services, Illumina
Classification: Benign for Collagen VI-related myopathy. Last evaluated: 2018-01-13. Review status: criteria provided, single submitter. Criteria: ICSL Variant Classification Criteria 13 December 2019. Collection method: clinical testing. Allele origin: germline.
Comment: This variant was observed in the ICSL laboratory as part of a predisposition screen in an ostensibly healthy population. It had not been previously curated by ICSL or reported in the Human Gene Mutation Database (HGMD: prior to June 1st, 2018), and was therefore a candidate for classification through an automated scoring system. Utilizing variant allele frequency, disease prevalence and penetrance estimates, and inheritance mode, an automated score was calculated to assess if this variant is too frequent to cause the disease. Based on the score and internal cut-off values, a variant classified as benign is not then subjected to further curation. The score for this variant resulted in a classification of benign for this disease.

Mayo Clinic Laboratories, Mayo Clinic
Classification: Benign. Last evaluated: 2017-12-11. Review status: criteria provided, single submitter. Criteria: ACMG Guidelines, 2015. Collection method: clinical testing. Allele origin: germline. Observed: 12 variant alleles.

Athena Diagnostics
Classification: Benign. Last evaluated: 2017-11-14. Review status: criteria provided, single submitter. Criteria: Athena Diagnostics Criteria. Collection method: clinical testing. Allele origin: germline.

GeneDx
Classification: Benign. Last evaluated: 2016-05-13. Review status: criteria provided, single submitter. Criteria: GeneDx Variant Classification (06012015). Collection method: clinical testing. Allele origin: germline. Affected: yes.
Comment: This variant is considered likely benign or benign based on one or more of the following criteria: it is a conservative change, it occurs at a poorly conserved position in the protein, it is predicted to be benign by multiple in silico algorithms, and/or has population frequency not consistent with disease.

Eurofins Ntd Llc (ga)
Classification: Benign. Last evaluated: 2012-11-05. Review status: criteria provided, single submitter. Criteria: EGL Classification Definitions 2015. Collection method: clinical testing. Allele origin: germline. Observed: 2 variant alleles, 2 heterozygotes.

Breakthrough Genomics
Classification: Benign. Review status: criteria provided, single submitter. Criteria: ACMG Guidelines, 2015. Collection method: not provided. Allele origin: germline. Inheritance: Autosomal recessive inheritance. Affected: yes.

PreventionGenetics, part of Exact Sciences
Classification: Benign. Review status: criteria provided, single submitter. Criteria: ACMG Guidelines, 2015. Collection method: clinical testing. Allele origin: germline.

Genetic Services Laboratory, University of Chicago
Classification: Likely benign for AllHighlyPenetrant. Review status: no assertion criteria provided. Collection method: clinical testing. Allele origin: germline. Not counted in ClinVar's aggregate classification.
Comment: Likely benign based on allele frequency in 1000 Genomes Project or ESP global frequency and its presence in a patient with a rare or unrelated disease phenotype. NOT Sanger confirmed.

NM_004369.4(COL6A3):c.1976G>A (p.Arg659His)

Gene: COL6A3 (collagen type VI alpha 3 chain; minus strand). Cytogenetic location: 2q37.3.
Variant type: single nucleotide variant.
Coding change: c.1976G>A on transcript NM_004369.4 (MANE Select); coding-DNA position 1976, G replaced by A.
Protein change: p.Arg659His; replaces arginine 659 with histidine.
Molecular consequence: missense variant. On other transcripts: intron variant (1).
Genome position (GRCh38, 1-based): chr2:237,379,157, C>T on the plus strand (G>A on the coding strand, the complement: COL6A3 is on the minus strand). VCF-style: chr2-237379157-C-T. GRCh37 (hg19) VCF-style: chr2-238287800-C-T.
Other names: c.755G>A, p.Arg252His (NM_057164.5); c.1358G>A, p.Arg453His (NM_057165.5, NM_057167.4); c.676+1758G>A (NM_057166.5); short protein forms R252H, R453H.
Identifiers: ClinVar variation 94914 (VCV000094914.25), dbSNP rs36092870, ClinGen allele CA147928.